The following is an entry in ClinVar:

NC_000011.9:g.(?_26463445)_(26465403_?)dup

Gene: ANO3 (anoctamin 3; plus strand). Cytogenetic location: 11p14.2.
Variant type: Duplication.
Identifiers: ClinVar variation 3244532 (VCV003244532.1).

ClinVar aggregate classification (germline): Uncertain significance (1 of 4 stars; one submission).

Conditions:
Dystonic disorder. Also called: Dystonia. Identifiers: MedGen C0013421, MONDO:0003441, HP:0001332.

Submission:

Labcorp Genetics (formerly Invitae), Labcorp
Classification: Uncertain significance for Dystonic disorder. Last evaluated: 2023-01-17. Review status: criteria provided, single submitter. Criteria: Invitae Variant Classification Sherloc (09022015). Collection method: clinical testing. Allele origin: unknown.
Comment: This variant has not been reported in the literature in individuals affected with ANO3-related conditions. In summary, the available evidence is currently insufficient to determine the role of this variant in disease. Therefore, it has been classified as a Variant of Uncertain Significance. This variant results in a copy number gain of the genomic region encompassing exon(s) 2-3 of the ANO3 gene. While the exact position of this variant cannot be determined from the data, sub-genic copy number gains are generally in tandem (PMID: 25640679). This variant is predicted to be in-frame, and likely preserves the integrity of the reading frame.

Literature cited by the submitters: PubMed 25640679.